The following is an entry in ClinVar:

NM_007294.4(BRCA1):c.5257dup (p.Arg1753fs)

Gene: BRCA1 (BRCA1 DNA repair associated; minus strand). Cytogenetic location: 17q21.31.
Variant type: Duplication.
Coding change: c.5257dup on transcript NM_007294.4 (MANE Select); coding-DNA position 5257, one base duplicated (A; older notation c.5257dupA).
Protein change: p.Arg1753fs; shifts the reading frame from arginine 1753.
Molecular consequence: frameshift variant. On other transcripts: non-coding transcript variant (1).
Genome position (GRCh38, 1-based): chr17:43,057,072, T duplicated on the plus strand (A on the coding strand, the reverse complement: BRCA1 is on the minus strand); the first of 2 consecutive T bases (chr17:43,057,072-43,057,073); duplicating either gives the same sequence. VCF-style (leftmost placement, unchanged base first): chr17-43057071-C-CT. GRCh37 (hg19) VCF-style: chr17-41209088-C-CT.
Other names: 5376insA; c.5257dupA (NM_007294.3); c.5112dup, p.Arg1705Lysfs (NM_001407751.1, NM_001407752.1, NM_001407943.1 and 21 more transcripts); c.5109dup, p.Arg1704Lysfs (NM_001407838.1, NM_001407839.1, NM_001407841.1 and 12 more transcripts); c.5256dup, p.Arg1753Lysfs (NM_001407854.1, NM_001407593.1, NM_001407594.1 and 7 more transcripts); c.5253dup, p.Arg1752Lysfs (NM_001407858.1, NM_001407859.1, NM_001407860.1 and 17 more transcripts); c.5250dup, p.Arg1751Lysfs (NM_001407861.1, NM_001407627.1, NM_001407628.1 and 14 more transcripts); c.5055dup, p.Arg1686Lysfs (NM_001407862.1); and 77 more; short protein forms R1753fs, R649fs, R1706fs, R1774fs.
Identifiers: ClinVar variation 55486 (VCV000055486.7), dbSNP rs397509245, ClinGen allele CA327987.

ClinVar aggregate classification (germline): Pathogenic. Review status: reviewed by expert panel (3 of 4 stars). 2 submissions from 2 submitters: Pathogenic (1). 1 of the submissions does not count toward it. Last evaluated 2016-10-18.

Conditions:
Breast-ovarian cancer, familial, susceptibility to, 1 (BROVCA1). Also called: BRCA1 Hereditary Breast and Ovarian Cancer; OVARIAN CANCER, SUSCEPTIBILITY TO. Identifiers: Orphanet 145, MedGen C2676676, MONDO:0011450, OMIM 604370. Disease mechanism: loss of function.

Submissions (2):

Evidence-based Network for the Interpretation of Germline Mutant Alleles (ENIGMA)
Classification: Pathogenic for Breast-ovarian cancer, familial, susceptibility to, 1. Last evaluated: 2016-10-18. Review status: reviewed by expert panel. Criteria: ENIGMA BRCA1/2 Classification Criteria (2015). Collection method: curation. Allele origin: germline.
Comment: Variant allele predicted to encode a truncated non-functional protein.

Consortium of Investigators of Modifiers of BRCA1/2 (CIMBA), c/o University of Cambridge
Classification: Pathogenic for Breast-ovarian cancer, familial, susceptibility to, 1. Last evaluated: 2015-10-02. Review status: criteria provided, single submitter. Criteria: CIMBA Mutation Classification guidelines May 2016. Collection method: clinical testing. Allele origin: germline. Not counted in ClinVar's aggregate classification.